The following is an entry in ClinVar:

NM_001042492.3(NF1):c.7494A>G (p.Lys2498=)

Gene: NF1 (neurofibromin 1; plus strand). Cytogenetic location: 17q11.2.
Variant type: single nucleotide variant.
Coding change: c.7494A>G on transcript NM_001042492.3 (MANE Select); coding-DNA position 7494, A replaced by G.
Protein change: p.Lys2498=; no amino-acid change (lysine 2498 retained).
Molecular consequence: synonymous variant.
Genome position (GRCh38, 1-based): chr17:31,352,293, A>G. VCF-style: chr17-31352293-A-G. GRCh37 (hg19) VCF-style: chr17-29679311-A-G.
Other names: c.7431A>G, p.Lys2477= (NM_000267.4).
Identifiers: ClinVar variation 4875908 (VCV004875908.1).

ClinVar aggregate classification (germline): Benign (1 of 4 stars; one submission).

Conditions:
Neurofibromatosis, type 1 (NF1). Also called: VON RECKLINGHAUSEN DISEASE; NEUROFIBROMATOSIS, TYPE I, SOMATIC; Peripheral type neurofibromatosis; Neurofibromatosis, type I. Identifiers: Orphanet 636, MedGen C0027831, MONDO:0018975, OMIM 162200. Disease mechanism: loss of function.

Submission:

Myriad Genetics, Inc.
Classification: Benign for Neurofibromatosis, type 1. Last evaluated: 2026-05-21. Review status: criteria provided, single submitter. Criteria: Myriad Autosomal Dominant, Autosomal Recessive and X-Linked Classification Criteria (2023). Collection method: clinical testing. Allele origin: unknown.
Comment: This variant is considered benign. This variant is a silent/synonymous amino acid change and it is not expected to impact splicing.